The following is an entry in ClinVar:

NM_000384.3(APOB):c.1483A>G (p.Met495Val)

Gene: APOB (apolipoprotein B; minus strand). Cytogenetic location: 2p24.1.
Variant type: single nucleotide variant.
Coding change: c.1483A>G on transcript NM_000384.3 (MANE Select); coding-DNA position 1483, A replaced by G.
Protein change: p.Met495Val; replaces methionine 495 with valine.
Molecular consequence: missense variant.
Genome position (GRCh38, 1-based): chr2:21,029,773, T>C on the plus strand (A>G on the coding strand, the complement: APOB is on the minus strand). VCF-style: chr2-21029773-T-C. GRCh37 (hg19) VCF-style: chr2-21252645-T-C.
Other names: c.1483A>G (NM_000384.2); short protein forms M495V.
Identifiers: ClinVar variation 1421596 (VCV001421596.9), dbSNP rs576103865, ClinGen allele CA43525721.

ClinVar aggregate classification (germline): Uncertain significance. Review status: criteria provided, multiple submitters, no conflicts (2 of 4 stars). 3 submissions from 3 submitters: Uncertain significance (3). Last evaluated 2025-06-18.

Conditions:
Familial hypobetalipoproteinemia 1. Also called: APOB-Related Familial Hypobetalipoproteinemia; Hypobetalipoproteinemia, normotriglyceridemic; Acanthocytosis with hypobetalipoproteinemia. Identifiers: MedGen C4551990, MONDO:0014252, OMIM 615558.
Hypercholesterolemia, autosomal dominant, type B (FHCL2). Also called: Familial Hypercholesterolemia Type B; APOLIPOPROTEIN B-100, FAMILIAL DEFECTIVE; APOLIPOPROTEIN B-100, FAMILIAL LIGAND-DEFECTIVE; HYPERCHOLESTEROLEMIA, FAMILIAL, DUE TO LIGAND-DEFECTIVE APOLIPOPROTEIN B; Familial hypercholesterolemia 2; Hyperlipoproteinemia Type IIb. Identifiers: MedGen C1704417, MONDO:0007751, OMIM 144010.
Cardiovascular phenotype. Identifiers: MedGen CN230736.

Allele frequency attached by ClinVar (database versions not stated): gnomAD exomes below 0.00001; gnomAD 0.00001.
gnomAD v4.1: 4 of 1,614,160 alleles (0.00025%); highest among the groups gnomAD compares: Middle Eastern, 0.016%; no homozygotes.

Submissions (3):

GeneDx
Classification: Uncertain significance. Last evaluated: 2025-06-18. Review status: criteria provided, single submitter. Criteria: GeneDx Variant Classification Process June 2021. Collection method: clinical testing. Allele origin: germline. Affected: yes.
Comment: Not observed at significant frequency in large population cohorts (gnomAD); In silico analysis supports that this missense variant has a deleterious effect on protein structure/function; Has not been previously published as pathogenic or benign to our knowledge

Ambry Genetics
Classification: Uncertain significance for Cardiovascular phenotype. Last evaluated: 2024-12-10. Review status: criteria provided, single submitter. Criteria: Ambry Variant Classification Scheme 2023. Collection method: clinical testing. Allele origin: germline.
Comment: The p.M495V variant (also known as c.1483A>G), located in coding exon 12 of the APOB gene, results from an A to G substitution at nucleotide position 1483. The methionine at codon 495 is replaced by valine, an amino acid with highly similar properties. This amino acid position is not well conserved in available vertebrate species. In addition, this alteration is predicted to be tolerated by in silico analysis. Based on the available evidence, the clinical significance of this variant remains unclear.

Labcorp Genetics (formerly Invitae), Labcorp
Classification: Uncertain significance for Familial hypobetalipoproteinemia 1; Hypercholesterolemia, autosomal dominant, type B. Last evaluated: 2020-11-13. Review status: criteria provided, single submitter. Criteria: Invitae Variant Classification Sherloc (09022015). Collection method: clinical testing. Allele origin: germline.
Comment: This variant has not been reported in the literature in individuals with APOB-related conditions. This sequence change replaces methionine with valine at codon 495 of the APOB protein (p.Met495Val). The methionine residue is moderately conserved and there is a small physicochemical difference between methionine and valine. This variant is not present in population databases (ExAC no frequency). Algorithms developed to predict the effect of missense changes on protein structure and function are either unavailable or do not agree on the potential impact of this missense change (SIFT: "Deleterious"; PolyPhen-2: "Benign"; Align-GVGD: "Class C0"). Algorithms developed to predict the effect of sequence changes on RNA splicing suggest that this variant may create or strengthen a splice site, but this prediction has not been confirmed by published transcriptional studies. In summary, the available evidence is currently insufficient to determine the role of this variant in disease. Therefore, it has been classified as a Variant of Uncertain Significance.